The following is an entry in ClinVar:

NM_130837.3(OPA1):c.902T>G (p.Leu301Ter)

Gene: OPA1 (OPA1 mitochondrial dynamin like GTPase; plus strand). Cytogenetic location: 3q29.
Variant type: single nucleotide variant.
Coding change: c.902T>G on transcript NM_130837.3 (MANE Select); coding-DNA position 902, T replaced by G.
Protein change: p.Leu301Ter; replaces leucine 301 with a stop codon.
Molecular consequence: nonsense.
Genome position (GRCh38, 1-based): chr3:193,635,476, T>G. VCF-style: chr3-193635476-T-G. GRCh37 (hg19) VCF-style: chr3-193353265-T-G.
Other names: c.368T>G, p.Leu123Ter (NM_001354663.2); c.365T>G, p.Leu122Ter (NM_001354664.2); c.737T>G, p.Leu246Ter (NM_015560.3); c.629T>G, p.Leu210Ter (NM_130831.3); c.683T>G, p.Leu228Ter (NM_130832.3); c.740T>G, p.Leu247Ter (NM_130833.3); c.791T>G, p.Leu264Ter (NM_130834.3); c.794T>G, p.Leu265Ter (NM_130835.3); and 1 more; short protein forms L122*, L123*, L210*, L228*, L246*, L247*, L264*, L265*.
Identifiers: ClinVar variation 976012 (VCV000976012.6), dbSNP rs1488795500, ClinGen allele CA355787414.

ClinVar aggregate classification (germline): Pathogenic. Review status: criteria provided, multiple submitters, no conflicts (2 of 4 stars). 2 submissions from 2 submitters: Pathogenic (2). Last evaluated 2024-02-24.

Conditions:
Autosomal dominant optic atrophy classic form (OPA1). Also called: Optic Atrophy Type 1; OPTIC ATROPHY, JUVENILE; KJER-TYPE OPTIC ATROPHY. Identifiers: Orphanet 98673, MedGen C0338508, MONDO:0008134, OMIM 165500.

Submissions (2):

Labcorp Genetics (formerly Invitae), Labcorp
Classification: Pathogenic. Last evaluated: 2024-02-24. Review status: criteria provided, single submitter. Criteria: Invitae Variant Classification Sherloc (09022015). Collection method: clinical testing. Allele origin: germline.
Comment: This sequence change creates a premature translational stop signal (p.Leu246*) in the OPA1 gene. It is expected to result in an absent or disrupted protein product. Loss-of-function variants in OPA1 are known to be pathogenic (PMID: 11440988, 20157015, 20952381, 25012220). This variant is not present in population databases (gnomAD no frequency). This premature translational stop signal has been observed in individual(s) with clinical features of optic atrophy (PMID: 31500643). This variant is also known as c.902T>G (p.Leu301*). ClinVar contains an entry for this variant (Variation ID: 976012). For these reasons, this variant has been classified as Pathogenic.

Institute of Human Genetics, University of Leipzig Medical Center
Classification: Pathogenic for Autosomal dominant optic atrophy classic form. Last evaluated: 2019-11-04. Review status: criteria provided, single submitter. Criteria: ACMG Guidelines, 2015. Collection method: clinical testing. Allele origin: germline. Affected: yes. Observed: 1 variant allele.
Comment: This variant was identified as de novo (maternity and paternity confirmed).

Literature cited by the submitters: PubMed 11440988 (cited by Labcorp Genetics (formerly Invitae), Labcorp); PubMed 20157015 (cited by Labcorp Genetics (formerly Invitae), Labcorp); PubMed 20952381 (cited by Labcorp Genetics (formerly Invitae), Labcorp); PubMed 25012220 (cited by Labcorp Genetics (formerly Invitae), Labcorp); PubMed 31500643 (cited by Labcorp Genetics (formerly Invitae), Labcorp).